The following is an entry in ClinVar:

NM_182746.3(MCM4):c.1169T>C (p.Val390Ala)

Gene: MCM4 (minichromosome maintenance complex component 4; plus strand). Cytogenetic location: 8q11.21.
Variant type: single nucleotide variant.
Coding change: c.1169T>C on transcript NM_182746.3 (MANE Select); coding-DNA position 1169, T replaced by C.
Protein change: p.Val390Ala; replaces valine 390 with alanine.
Molecular consequence: missense variant.
Genome position (GRCh38, 1-based): chr8:47,967,480, T>C. VCF-style: chr8-47967480-T-C. GRCh37 (hg19) VCF-style: chr8-48880040-T-C.
Other names: c.1169T>C, p.Val390Ala (NM_005914.4); short protein forms V390A.
Identifiers: ClinVar variation 1516905 (VCV001516905.5), dbSNP rs367626887, ClinGen allele CA4742533.
Genomic context (GRCh38, chr8:47,967,480, plus strand): 5'-TTATCCTGTTTGCTCACAATGATCTCGTTGACAAGGTCCAGCCTGGGGACAGAGTGAATG[T>C]TACAGGTAAGAGTGTAGGTTTGCACCAGCACTTGAGCATGTCTGGCTTGCTTTCAATGCT-3'
Protein context (NP_877423.1, residues 380-400): DKVQPGDRVN[Val390Ala]TGIYRAVPIR

ClinVar aggregate classification (germline): Uncertain significance (1 of 4 stars; one submission).

Allele frequency attached by ClinVar (database versions not stated): gnomAD exomes below 0.00001; TOPMed below 0.00001; ExAC 0.00001; gnomAD 0.00001; ESP Exome Variant Server 0.00008.
gnomAD v4.1: 1 of 1,614,056 alleles (0.000062%); highest among the groups gnomAD compares: Non-Finnish European, 0.000085%; no homozygotes.

Submission:

Labcorp Genetics (formerly Invitae), Labcorp
Classification: Uncertain significance. Last evaluated: 2021-09-01. Review status: criteria provided, single submitter. Criteria: Invitae Variant Classification Sherloc (09022015). Collection method: clinical testing. Allele origin: germline.
Comment: This sequence change replaces valine with alanine at codon 390 of the MCM4 protein (p.Val390Ala). The valine residue is highly conserved and there is a small physicochemical difference between valine and alanine. This variant is present in population databases (rs367626887, ExAC 0.002%). This variant has not been reported in the literature in individuals affected with MCM4-related conditions. Algorithms developed to predict the effect of missense changes on protein structure and function (SIFT, PolyPhen-2, Align-GVGD) all suggest that this variant is likely to be disruptive. In summary, the available evidence is currently insufficient to determine the role of this variant in disease. Therefore, it has been classified as a Variant of Uncertain Significance.